The following is an entry in ClinVar:

ClinVar aggregate classification (germline): Pathogenic. Review status: criteria provided, multiple submitters, no conflicts (2 of 4 stars). 3 submissions from 3 submitters: Pathogenic (3). Last evaluated 2025-03-20.

Conditions:
Multiple congenital exostosis (EXT). Also called: Hereditary multiple osteochondromas; Multiple osteochondromas; Multiple exostoses; Hereditary multiple exostoses; Hereditary multiple exostosis; MULTIPLE CARTILAGINOUS EXOSTOSES. Identifiers: Orphanet 321, MedGen C0015306, MONDO:0005508, HP:0002762.
Exostoses, multiple, type 1 (EXT1). Also called: Hereditary Multiple Osteochondromatosis, Type I; EXOSTOSES, MULTIPLE, TYPE I. Identifiers: MedGen CN263289, MONDO:0007585, OMIM 133700.

Submissions (3):

Labcorp Genetics (formerly Invitae), Labcorp
Classification: Pathogenic for Multiple congenital exostosis. Last evaluated: 2025-03-20. Review status: criteria provided, single submitter. Criteria: Invitae Variant Classification Sherloc (09022015). Collection method: clinical testing. Allele origin: germline.
Comment: This sequence change creates a premature translational stop signal (p.Gln179*) in the EXT1 gene. It is expected to result in an absent or disrupted protein product. Loss-of-function variants in EXT1 are known to be pathogenic (PMID: 10679937, 11391482, 19810120). This variant is not present in population databases (gnomAD no frequency). This premature translational stop signal has been observed in individual(s) with multiple osteochondromas (PMID: 17041877). ClinVar contains an entry for this variant (Variation ID: 265468). For these reasons, this variant has been classified as Pathogenic.

GeneDx
Classification: Pathogenic. Last evaluated: 2020-09-30. Review status: criteria provided, single submitter. Criteria: GeneDx Variant Classification Process June 2021. Collection method: clinical testing. Allele origin: germline. Affected: yes.
Comment: Nonsense variant predicted to result in protein truncation or nonsense mediated decay in a gene for which loss-of-function is a known mechanism of disease; Not observed in large population cohorts (Lek et al., 2016); This variant is associated with the following publications: (PMID: 19810120, 17041877, 17113868)

Juno Genomics, Hangzhou Juno Genomics, Inc
Classification: Pathogenic for Exostoses, multiple, type 1. Review status: criteria provided, single submitter. Criteria: ACMG Guidelines, 2015. Collection method: clinical testing. Allele origin: germline. Affected: yes.
Comment: Absent from controls (or at extremely low frequency if recessive) in Genome Aggregation Database.;Null variant in a gene where loss of function (LOF) is a known mechanism of disease.;The prevalence of the variant in affected individuals is significantly increased compared to the prevalence in controls.;Patient's phenotype or family history is highly specific for a disease with a single genetic etiology.

Literature cited by the submitters: PubMed 10679937 (cited by Labcorp Genetics (formerly Invitae), Labcorp); PubMed 11391482 (cited by Labcorp Genetics (formerly Invitae), Labcorp); PubMed 19810120 (cited by Labcorp Genetics (formerly Invitae), Labcorp); PubMed 17041877 (cited by Labcorp Genetics (formerly Invitae), Labcorp).

NM_000127.3(EXT1):c.535C>T (p.Gln179Ter)

Gene: EXT1 (exostosin glycosyltransferase 1; minus strand). Cytogenetic location: 8q24.11.
Variant type: single nucleotide variant.
Coding change: c.535C>T on transcript NM_000127.3 (MANE Select); coding-DNA position 535, C replaced by T.
Protein change: p.Gln179Ter; replaces glutamine 179 with a stop codon.
Molecular consequence: nonsense.
Genome position (GRCh38, 1-based): chr8:118,110,512, G>A on the plus strand (C>T on the coding strand, the complement: EXT1 is on the minus strand). VCF-style: chr8-118110512-G-A. GRCh37 (hg19) VCF-style: chr8-119122751-G-A.
Other names: short protein forms Q179*.
Identifiers: ClinVar variation 265468 (VCV000265468.11), dbSNP rs886039561, ClinGen allele CA10588453.